The following is an entry in ClinVar:

NM_000037.4(ANK1):c.*1609C>G

Gene: ANK1 (ankyrin 1; minus strand). Cytogenetic location: 8p11.21.
Variant type: single nucleotide variant.
Coding change: c.*1609C>G on transcript NM_000037.4 (MANE Select); 1609 bases downstream of the stop codon, C replaced by G.
Molecular consequence: 3 prime UTR variant.
Genome position (GRCh38, 1-based): chr8:41,654,181, G>C on the plus strand (C>G on the coding strand, the complement: ANK1 is on the minus strand). VCF-style: chr8-41654181-G-C. GRCh37 (hg19) VCF-style: chr8-41511700-G-C.
Other names: c.*1546C>G (NM_001142445.2, NM_001142446.2, NM_020475.3 and 3 more transcripts); c.*1609C>G (NM_020478.5).
Identifiers: ClinVar variation 362961 (VCV000362961.6), dbSNP rs78203311, ClinGen allele CA10631026.
Genomic context (GRCh38, chr8:41,654,181, plus strand): 5'-CCAGGGGCGAGAGGAGCCAGCCCTGTCTCTCTCTCCTGGCCCTGGGGGCGCCCGCCGCGA[G>C]GGCGGGGCCGGGATTGTGCTGATTCTGGCCTCCCTGGGCCGGAGGCTCTAGTGGAACTTA-3'

ClinVar aggregate classification (germline): Benign/Likely benign. Review status: criteria provided, multiple submitters, no conflicts (2 of 4 stars). 3 submissions from 2 submitters: Benign (1); Likely benign (2). Last evaluated 2018-01-13.

Conditions:
Hereditary spherocytosis type 1. Also called: Spherocytosis type 1; ANK1-Related Spherocytosis. Identifiers: Orphanet 822, MedGen C2674218, MONDO:0008447, OMIM 182900.
Spherocytosis. Identifiers: MedGen C0553720, HP:0004444.

Allele frequency attached by ClinVar (database versions not stated): gnomAD exomes 0.01373; 1000 Genomes Project 0.03954; 1000 Genomes Project 30x 0.03982; gnomAD 0.04490 and 0.04627; TOPMed 0.04828.
gnomAD v4.1: 6,832 of 152,752 alleles (4.5%); highest among the groups gnomAD compares: African/African-American, 8.5%; 218 homozygotes.

Submissions (3):

Illumina Laboratory Services, Illumina
Classification: Benign for Hereditary spherocytosis type 1. Last evaluated: 2018-01-13. Review status: criteria provided, single submitter. Criteria: ICSL Variant Classification Criteria 13 December 2019. Collection method: clinical testing. Allele origin: germline.
Comment: This variant was observed in the ICSL laboratory as part of a predisposition screen in an ostensibly healthy population. It had not been previously curated by ICSL or reported in the Human Gene Mutation Database (HGMD: prior to June 1st, 2018), and was therefore a candidate for classification through an automated scoring system. Utilizing variant allele frequency, disease prevalence and penetrance estimates, and inheritance mode, an automated score was calculated to assess if this variant is too frequent to cause the disease. Based on the score and internal cut-off values, a variant classified as benign is not then subjected to further curation. The score for this variant resulted in a classification of benign for this disease.

Illumina Laboratory Services, Illumina
Classification: Likely benign for Spherocytosis. Last evaluated: 2018-01-13. Review status: criteria provided, single submitter. Criteria: ICSL Variant Classification Criteria 13 December 2019. Collection method: clinical testing. Allele origin: germline.
Comment: This variant was observed in the ICSL laboratory as part of a predisposition screen in an ostensibly healthy population. It had not been previously curated by ICSL or reported in the Human Gene Mutation Database (HGMD: prior to June 1st, 2018), and was therefore a candidate for classification through an automated scoring system. Utilizing variant allele frequency, disease prevalence and penetrance estimates, and inheritance mode, an automated score was calculated to assess if this variant is too frequent to cause the disease. Based on the score and internal cut-off values, a variant classified as likely benign is not then subjected to further curation. The score for this variant resulted in a classification of likely benign for this disease.

Breakthrough Genomics
Classification: Likely benign. Review status: criteria provided, single submitter. Criteria: ACMG Guidelines, 2015. Collection method: not provided. Allele origin: germline. Inheritance: Autosomal dominant inheritance. Affected: yes.